The following is an entry in ClinVar:

NM_021975.4(RELA):c.758G>A (p.Arg253Gln)

Gene: RELA (RELA proto-oncogene, NF-kB subunit; minus strand). Cytogenetic location: 11q13.1.
Variant type: single nucleotide variant.
Coding change: c.758G>A on transcript NM_021975.4 (MANE Select); coding-DNA position 758, G replaced by A.
Protein change: p.Arg253Gln; replaces arginine 253 with glutamine.
Molecular consequence: missense variant. On other transcripts: intron variant (2).
Genome position (GRCh38, 1-based): chr11:65,658,406, C>T on the plus strand (G>A on the coding strand, the complement: RELA is on the minus strand). VCF-style: chr11-65658406-C-T. GRCh37 (hg19) VCF-style: chr11-65425877-C-T.
Other names: c.731G>A, p.Arg244Gln (NM_001404658.1); c.377G>A, p.Arg126Gln (NM_001404661.1); c.665G>A, p.Arg222Gln (NM_001404662.1, NM_001404663.1); c.559+1260G>A (NM_001404660.1); c.664+312G>A (NM_001404659.1); c.749G>A, p.Arg250Gln (NM_001145138.2); c.758G>A, p.Arg253Gln (NM_001243984.2, NM_001243985.2); c.791G>A, p.Arg264Gln (NM_001404657.1); short protein forms R126Q, R222Q, R253Q, R264Q, R244Q, R250Q.
Identifiers: ClinVar variation 3688202 (VCV003688202.2).

ClinVar aggregate classification (germline): Uncertain significance (1 of 4 stars; one submission).

gnomAD v4.1: 16 of 1,613,830 alleles (0.00099%); highest among the groups gnomAD compares: Admixed American, 0.0033%; no homozygotes.

Submission:

Labcorp Genetics (formerly Invitae), Labcorp
Classification: Uncertain significance. Last evaluated: 2024-07-23. Review status: criteria provided, single submitter. Criteria: Invitae Variant Classification Sherloc (09022015). Collection method: clinical testing. Allele origin: germline.
Comment: This sequence change replaces arginine, which is basic and polar, with glutamine, which is neutral and polar, at codon 253 of the RELA protein (p.Arg253Gln). This variant is present in population databases (no rsID available, gnomAD 0.01%). This variant has not been reported in the literature in individuals affected with RELA-related conditions. An algorithm developed to predict the effect of missense changes on protein structure and function (PolyPhen-2) suggests that this variant is likely to be disruptive. Algorithms developed to predict the effect of sequence changes on RNA splicing suggest that this variant may disrupt the consensus splice site. In summary, the available evidence is currently insufficient to determine the role of this variant in disease. Therefore, it has been classified as a Variant of Uncertain Significance.